The following is an entry in ClinVar:

NM_004364.5(CEBPA):c.332C>T (p.Ala111Val)

Gene: CEBPA (CCAAT enhancer binding protein alpha; minus strand). Cytogenetic location: 19q13.11.
Variant type: single nucleotide variant.
Coding change: c.332C>T on transcript NM_004364.5 (MANE Select); coding-DNA position 332, C replaced by T.
Protein change: p.Ala111Val; replaces alanine 111 with valine.
Molecular consequence: missense variant. On other transcripts: 5 prime UTR variant (1).
Genome position (GRCh38, 1-based): chr19:33,302,083, G>A on the plus strand (C>T on the coding strand, the complement: CEBPA is on the minus strand). VCF-style: chr19-33302083-G-A. GRCh37 (hg19) VCF-style: chr19-33792989-G-A.
Other names: c.-26C>T (NM_001285829.2); c.437C>T, p.Ala146Val (NM_001287424.2); c.290C>T, p.Ala97Val (NM_001287435.2); short protein forms A146V, A111V, A97V.
Identifiers: ClinVar variation 5034321 (VCV005034321.1).

ClinVar aggregate classification (germline): Uncertain significance (1 of 4 stars; one submission).

Conditions:
Inborn genetic diseases. Identifiers: MedGen C0950123, MeSH D030342.

Submission:

Ambry Genetics
Classification: Uncertain significance for Inborn genetic diseases. Last evaluated: 2026-09-04. Review status: criteria provided, single submitter. Criteria: Ambry Variant Classification Scheme 2023. Collection method: clinical testing. Allele origin: germline.
Comment: The p.A111V variant (also known as c.332C>T), located in coding exon 1 of the CEBPA gene, results from a C to T substitution at nucleotide position 332. The alanine at codon 111 is replaced by valine, an amino acid with similar properties. This amino acid position is conserved. In addition, this alteration is predicted to be tolerated by in silico analysis. Based on the available evidence, the clinical significance of this variant remains unclear.